The following is an entry in ClinVar:

NM_004484.4(GPC3):c.1058AAC[1] (p.Gln354del)

Gene: GPC3 (glypican 3; minus strand). Cytogenetic location: Xq26.2.
Variant type: Microsatellite.
Coding change: c.1058AAC[1] on transcript NM_004484.4 (MANE Select); one copy of the 3-base unit AAC starting at c.1058; the reference has two copies in a row; one copy, 3 bases deleted; also written c.1061_1063del.
Protein change: p.Gln354del; deletes glutamine 354.
Molecular consequence: inframe deletion.
Genome position (GRCh38, 1-based): chrX:133,699,998-133,700,000, GTT deleted on the plus strand (AAC on the coding strand, the reverse complement: GPC3 is on the minus strand); deleting any 3 consecutive bases within chrX:133,699,998-133,700,004 gives the same sequence; the position shown is the placement nearest the transcript's 3' end. VCF-style (leftmost placement, unchanged base first): chrX-133699997-CGTT-C. GRCh37 (hg19) VCF-style: chrX-132834025-CGTT-C.
Other names: c.1127AAC[1], p.Gln377del (NM_001164617.2); c.1010AAC[1], p.Gln338del (NM_001164618.2); c.896AAC[1], p.Gln300del (NM_001164619.2); c.1061_1063delAAC (NM_004484.3); c.1061_1063del (NM_004484.3); short protein forms Q354del, Q300del, Q338del, Q377del.
Identifiers: ClinVar variation 579694 (VCV000579694.10), dbSNP rs1569416621, ClinGen allele CA645619481.

ClinVar aggregate classification (germline): Uncertain significance. Review status: criteria provided, multiple submitters, no conflicts (2 of 4 stars). 2 submissions from 2 submitters: Uncertain significance (2). Last evaluated 2024-11-04.

Conditions:
Wilms tumor 1 (WT1). Also called: Wilms tumor, somatic. Identifiers: Orphanet 654, MedGen CN033288, MONDO:0008679, OMIM 194070.

Submissions (2):

GeneDx
Classification: Uncertain significance. Last evaluated: 2024-11-04. Review status: criteria provided, single submitter. Criteria: GeneDx Variant Classification Process June 2021. Collection method: clinical testing. Allele origin: germline. Affected: yes.
Comment: Not observed at significant frequency in large population cohorts (gnomAD); In-frame deletion of 1 amino acid in a non-repeat region; In silico analysis indicates that this variant does not alter protein structure/function; Has not been previously published as pathogenic or benign to our knowledge

Labcorp Genetics (formerly Invitae), Labcorp
Classification: Uncertain significance for Wilms tumor 1. Last evaluated: 2023-04-05. Review status: criteria provided, single submitter. Criteria: Invitae Variant Classification Sherloc (09022015). Collection method: clinical testing. Allele origin: germline.
Comment: This variant, c.1061_1063del, results in the deletion of 1 amino acid(s) of the GPC3 protein (p.Gln354del), but otherwise preserves the integrity of the reading frame. This variant is not present in population databases (gnomAD no frequency). This variant has not been reported in the literature in individuals affected with GPC3-related conditions. ClinVar contains an entry for this variant (Variation ID: 579694). Experimental studies and prediction algorithms are not available or were not evaluated, and the functional significance of this variant is currently unknown. In summary, the available evidence is currently insufficient to determine the role of this variant in disease. Therefore, it has been classified as a Variant of Uncertain Significance.